The following is an entry in ClinVar:

ClinVar aggregate classification (germline): Benign/Likely benign. Review status: criteria provided, multiple submitters, no conflicts (2 of 4 stars). 3 submissions from 3 submitters: Benign (1); Likely benign (2). Last evaluated 2025-02-27.

Conditions:
Hereditary cancer-predisposing syndrome. Also called: Tumor predisposition; Hereditary Cancer Syndrome; Hereditary neoplastic syndrome; Neoplastic Syndromes, Hereditary. Identifiers: Orphanet 140162, MedGen C0027672, MeSH D009386, MONDO:0015356.
Multiple endocrine neoplasia, type 2 (MEN2). Identifiers: Orphanet 653, MedGen C4048306, MONDO:0019003. Disease mechanism: gain of function.
Multiple endocrine neoplasia type 2A. Also called: Multiple Endocrine Neoplasia Type 2A (MEN2A); MULTIPLE ENDOCRINE NEOPLASIA, TYPE IIA; PTC SYNDROME; SIPPLE SYNDROME; MEN 2A; MEN-2A syndrome. Identifiers: Orphanet 247698, Orphanet 653, MedGen C0025268, MeSH D018813, MONDO:0008234, OMIM 171400.

Submissions (3):

Myriad Genetics, Inc.
Classification: Benign for Multiple endocrine neoplasia type 2A. Last evaluated: 2025-02-27. Review status: criteria provided, single submitter. Criteria: Myriad Autosomal Dominant, Autosomal Recessive and X-Linked Classification Criteria (2023). Collection method: clinical testing. Allele origin: unknown.
Comment: This variant is considered benign. This variant is a silent/synonymous amino acid change and it is not expected to impact splicing.

Labcorp Genetics (formerly Invitae), Labcorp
Classification: Likely benign for Multiple endocrine neoplasia, type 2. Last evaluated: 2024-01-03. Review status: criteria provided, single submitter. Criteria: Invitae Variant Classification Sherloc (09022015). Collection method: clinical testing. Allele origin: germline.

Ambry Genetics
Classification: Likely benign for Hereditary cancer-predisposing syndrome. Last evaluated: 2017-07-25. Review status: criteria provided, single submitter. Criteria: Ambry Variant Classification Scheme 2023. Collection method: clinical testing. Allele origin: germline.

NM_020975.6(RET):c.2601G>A (p.Glu867=)

Gene: RET (ret proto-oncogene; plus strand). Cytogenetic location: 10q11.21.
Variant type: single nucleotide variant.
Coding change: c.2601G>A on transcript NM_020975.6 (MANE Select); coding-DNA position 2601, G replaced by A.
Protein change: p.Glu867=; no amino-acid change (glutamic acid 867 retained).
Molecular consequence: synonymous variant.
Genome position (GRCh38, 1-based): chr10:43,119,739, G>A. VCF-style: chr10-43119739-G-A. GRCh37 (hg19) VCF-style: chr10-43615187-G-A.
Other names: c.2601G>A, p.Glu867= (NM_000323.2, NM_001406743.1, NM_001406744.1 and 4 more transcripts); c.1839G>A, p.Glu613= (NM_001355216.2); c.2472G>A, p.Glu824= (NM_001406761.1, NM_001406762.1, NM_001406764.1); c.2466G>A, p.Glu822= (NM_001406763.1, NM_001406765.1); c.2313G>A, p.Glu771= (NM_001406766.1, NM_001406767.1, NM_001406770.1); c.2337G>A, p.Glu779= (NM_001406768.1); c.2205G>A, p.Glu735= (NM_001406769.1, NM_001406772.1); c.2163G>A, p.Glu721= (NM_001406771.1, NM_001406773.1); and 10 more.
Identifiers: ClinVar variation 486330 (VCV000486330.11), dbSNP rs141459368, ClinGen allele CA376556821.